The following is an entry in ClinVar:

ClinVar aggregate classification (germline): Likely benign. Review status: criteria provided, multiple submitters, no conflicts (2 of 4 stars). 3 submissions from 3 submitters: Likely benign (3). Last evaluated 2026-07-01.

Conditions:
Inborn genetic diseases. Identifiers: MedGen C0950123, MeSH D030342.

Allele frequency attached by ClinVar (database versions not stated): TOPMed 0.00010; 1000 Genomes Project 30x 0.00016; ExAC 0.00017; gnomAD exomes 0.00018; gnomAD 0.00021.

Submissions (3):

CeGaT Center for Human Genetics Tuebingen
Classification: Likely benign. Last evaluated: 2026-07-01. Review status: criteria provided, single submitter. Criteria: CeGaT Center For Human Genetics Tuebingen Variant Classification Criteria Version 2. Collection method: clinical testing. Allele origin: germline. Affected: yes. Observed: 3 variant alleles.
Comment: SETD1B: PP2, BS2

Blueprint Genetics
Classification: Likely benign. Last evaluated: 2024-11-07. Review status: criteria provided, single submitter. Criteria: ACMG Guidelines, 2015. Collection method: clinical testing. Allele origin: germline.

Ambry Genetics
Classification: Likely benign for Inborn genetic diseases. Last evaluated: 2022-09-20. Review status: criteria provided, single submitter. Criteria: Ambry Variant Classification Scheme 2023. Collection method: clinical testing. Allele origin: germline.

NM_001353345.2(SETD1B):c.4585A>G (p.Met1529Val)

Gene: SETD1B (SET domain containing 1B, histone lysine methyltransferase; plus strand). Cytogenetic location: 12q24.31.
Variant type: single nucleotide variant.
Coding change: c.4585A>G on transcript NM_001353345.2 (MANE Select); coding-DNA position 4585, A replaced by G.
Protein change: p.Met1529Val; replaces methionine 1529 with valine.
Molecular consequence: missense variant.
Genome position (GRCh38, 1-based): chr12:121,823,164, A>G. VCF-style: chr12-121823164-A-G. GRCh37 (hg19) VCF-style: chr12-122261070-A-G.
Other names: NM_015048.1:c.4456A>G; short protein forms M1529V.
Identifiers: ClinVar variation 2350943 (VCV002350943.27), dbSNP rs769777363, ClinGen allele CA6839196.